The following is an entry in ClinVar:

NM_006172.4(NPPA):c.449G>A (p.Arg150Gln)

Genes: NPPA (natriuretic peptide A; minus strand), NPPA-AS1 (NPPA antisense RNA 1; plus strand), LOC114827827 (VISTA enhancer hs2123; plus strand). Cytogenetic location: 1p36.22.
Variant type: single nucleotide variant.
Coding change: c.449G>A on transcript NM_006172.4 (MANE Select); coding-DNA position 449, G replaced by A.
Protein change: p.Arg150Gln; replaces arginine 150 with glutamine.
Molecular consequence: missense variant.
Genome position (GRCh38, 1-based): chr1:11,847,114, C>T on the plus strand (G>A on the coding strand, the complement: NPPA is on the minus strand). VCF-style: chr1-11847114-C-T. GRCh37 (hg19) VCF-style: chr1-11907171-C-T.
Other names: c.449G>A (LRG_751t1); short protein forms R150Q.
Identifiers: ClinVar variation 126846 (VCV000126846.11), dbSNP rs202102042, ClinGen allele CA151255.

ClinVar aggregate classification (germline): Conflicting classifications of pathogenicity. Review status: criteria provided, conflicting classifications (1 of 4 stars). 4 submissions from 4 submitters: Uncertain significance (2); Likely benign (1). 1 of the submissions does not count toward it. Last evaluated 2025-10-19.

Conditions:
Atrial standstill 2 (ATRST2). Also called: ATRIAL DILATION AND STANDSTILL; CARDIOMYOPATHY, ATRIAL DILATED, WITH ATRIAL STANDSTILL. Identifiers: Orphanet 1344, MedGen C3810401, MONDO:0014329, OMIM 615745.
Atrial fibrillation, familial, 6 (ATFB6). Identifiers: MedGen C2677294, MONDO:0012816, OMIM 612201.

Allele frequency attached by ClinVar (database versions not stated): ESP Exome Variant Server 0.00015; 1000 Genomes Project 30x 0.00016; TOPMed 0.00020; gnomAD 0.00016 and 0.00017; 1000 Genomes Project 0.00020; gnomAD exomes 0.00022; ExAC 0.00039.
gnomAD v4.1: 324 of 1,528,966 alleles (0.021%); highest among the groups gnomAD compares: Admixed American, 0.061%; 2 homozygotes.

Submissions (4):

Labcorp Genetics (formerly Invitae), Labcorp
Classification: Uncertain significance for Atrial fibrillation, familial, 6. Last evaluated: 2025-10-19. Review status: criteria provided, single submitter. Criteria: Invitae Variant Classification Sherloc (09022015). Collection method: clinical testing. Allele origin: germline.
Comment: This sequence change replaces arginine, which is basic and polar, with glutamine, which is neutral and polar, at codon 150 of the NPPA protein (p.Arg150Gln). This variant is present in population databases (rs202102042, gnomAD 0.1%), and has an allele count higher than expected for a pathogenic variant. This missense change has been observed in individual(s) with clinical features of autosomal recessive atrial dilated cardiomyopathy (PMID: 23275345). It has also been observed to segregate with disease in related individuals. ClinVar contains an entry for this variant (Variation ID: 126846). An algorithm developed to predict the effect of missense changes on protein structure and function (PolyPhen-2) suggests that this variant is likely to be disruptive. In summary, the available evidence is currently insufficient to determine the role of this variant in disease. Therefore, it has been classified as a Variant of Uncertain Significance.

Dasa
Classification: Uncertain significance for Atrial fibrillation, familial, 6. Last evaluated: 2025-09-12. Review status: criteria provided, single submitter. Criteria: DASA Assertion Criteria. Collection method: clinical testing. Allele origin: germline.
Comment: NM_006172.4(NPPA):c.449G>A (p.Arg150Gln) is a missense variant that results in the substitution of arginine with glutamine. Segregation data support an association with disease in the reported family/families (PMID: 23275345; PMID: 40838933; PMID: 37363091). This variant has been recurrently observed in individuals with NPPA-related disorders (PMID: 23275345; PMID: 40838933; PMID: 37363091). This classification is supported by population frequency inconsistent with a disease-causing role. Computational prediction algorithms are consistent with a deleterious effect. The currently available literature and clinical evidence are not sufficient to establish a definitive association between this variant and the reported condition. Therefore, this variant is classified as a variant of uncertain significance.

Women's Health and Genetics/Laboratory Corporation of America, LabCorp
Classification: Likely benign. Last evaluated: 2023-02-10. Review status: criteria provided, single submitter. Criteria: LabCorp Variant Classification Summary - May 2015. Collection method: clinical testing. Allele origin: germline.

OMIM
Classification: Pathogenic for ATRIAL STANDSTILL 2. Last evaluated: 2013-02-01. Review status: no assertion criteria provided. Collection method: literature only. Allele origin: germline. Not counted in ClinVar's aggregate classification.

Literature cited by the submitters: PubMed 23275345 (cited by 3 submitters); PubMed 40838933 (cited by Dasa); PubMed 37363091 (cited by Dasa); PubMed 6225642 (cited by OMIM).